The following is an entry in ClinVar:

NM_145290.4(ADGRA3):c.3320A>G (p.Lys1107Arg)

Gene: ADGRA3 (adhesion G protein-coupled receptor A3; minus strand). Cytogenetic location: 4p15.2.
Variant type: single nucleotide variant.
Coding change: c.3320A>G on transcript NM_145290.4 (MANE Select); coding-DNA position 3320, A replaced by G.
Protein change: p.Lys1107Arg; replaces lysine 1107 with arginine.
Molecular consequence: missense variant.
Genome position (GRCh38, 1-based): chr4:22,388,351, T>C on the plus strand (A>G on the coding strand, the complement: ADGRA3 is on the minus strand). VCF-style: chr4-22388351-T-C. GRCh37 (hg19) VCF-style: chr4-22389974-T-C.
Other names: c.3320A>G (NM_145290.2); short protein forms K1107R.
Identifiers: ClinVar variation 3699955 (VCV003699955.3).
Genomic context (GRCh38, chr4:22,388,351, plus strand): 5'-GCATGGCACTGAGCTGCAGCCGCCTGCAAGTTTGTTAATTTGCAGCCCTGGGAGGAATTT[T>C]TGAAGCTTGAAGCACTTTTGTTTGTGCATGAAGACTCCGCACTGCTATTGGGGCATTTGG-3'
Protein context (NP_660333.2, residues 1097-1117): SCTNKSASSF[Lys1107Arg]NSSQGCKLTN

ClinVar aggregate classification (germline): Uncertain significance. Review status: criteria provided, multiple submitters, no conflicts (2 of 4 stars). 2 submissions from 2 submitters: Uncertain significance (2). Last evaluated 2025-10-14.

gnomAD v4.1: 1 of 1,614,082 alleles (0.000062%); highest among the groups gnomAD compares: African/African-American, 0.0013%; no homozygotes.

Submissions (2):

Ambry Genetics
Classification: Uncertain significance. Last evaluated: 2025-10-14. Review status: criteria provided, single submitter. Criteria: Ambry Variant Classification Scheme 2023. Collection method: clinical testing. Allele origin: germline.

Labcorp Genetics (formerly Invitae), Labcorp
Classification: Uncertain significance. Last evaluated: 2024-05-15. Review status: criteria provided, single submitter. Criteria: Invitae Variant Classification Sherloc (09022015). Collection method: clinical testing. Allele origin: germline.
Comment: This sequence change replaces lysine, which is basic and polar, with arginine, which is basic and polar, at codon 1107 of the ADGRA3 protein (p.Lys1107Arg). This variant is not present in population databases (gnomAD no frequency). This variant has not been reported in the literature in individuals affected with ADGRA3-related conditions. An algorithm developed to predict the effect of missense changes on protein structure and function (PolyPhen-2) suggests that this variant is likely to be tolerated. In summary, the available evidence is currently insufficient to determine the role of this variant in disease. Therefore, it has been classified as a Variant of Uncertain Significance.